The following is an entry in ClinVar:

NC_000019.10:g.(?_13275830)_(13277148_?)del

Genes: CACNA1A (calcium voltage-gated channel subunit alpha1 A; minus strand), LOC126862865 (CDK7 strongly-dependent group 2 enhancer GRCh37_chr19:13385818-13387017; plus strand). Cytogenetic location: 19p13.13.
Variant type: Deletion.
Identifiers: ClinVar variation 652963 (VCV000652963.9).

ClinVar aggregate classification (germline): Pathogenic (1 of 4 stars; one submission).

Conditions:
Developmental and epileptic encephalopathy, 42 (DEE42A). Also called: Epileptic encephalopathy, early infantile, 42; DEVELOPMENTAL AND EPILEPTIC ENCEPHALOPATHY 42A; EPILEPTIC ENCEPHALOPATHY, EARLY INFANTILE, 42A. Identifiers: MedGen C4310716, MONDO:0014917, OMIM 617106.
Episodic ataxia type 2 (EA2). Also called: CEREBELLAR ATAXIA, PAROXYSMAL, ACETAZOLAMIDE-RESPONSIVE; CEREBELLOPATHY, HEREDITARY PAROXYSMAL; EPISODIC ATAXIA, NYSTAGMUS-ASSOCIATED; ATAXIA, EPISODIC, WITH NYSTAGMUS; ATAXIA, FAMILIAL PAROXYSMAL; ACETAZOLAMIDE-RESPONSIVE HEREDITARY PAROXYSMAL CEREBELLAR ATAXIA. Identifiers: Orphanet 97, MedGen C1720416, MONDO:0007163, OMIM 108500.

Submission:

Labcorp Genetics (formerly Invitae), Labcorp
Classification: Pathogenic for Developmental and epileptic encephalopathy, 42; Episodic ataxia type 2. Last evaluated: 2022-06-29. Review status: criteria provided, single submitter. Criteria: Invitae Variant Classification Sherloc (09022015). Collection method: clinical testing. Allele origin: germline.
Comment: For these reasons, this variant has been classified as Pathogenic. This variant has not been reported in the literature in individuals affected with CACNA1A-related conditions. This variant is a gross deletion of the genomic region encompassing exon(s) 23-24 of the CACNA1A gene. This deletion is out-of-frame, and is expected to create a premature termination codon and result in an absent or disrupted protein product. Loss-of-function variants in CACNA1A are known to be pathogenic (PMID: 10371528, 19486177, 25735478, 27250579).

Literature cited by the submitters: PubMed 10371528; PubMed 19486177; PubMed 25735478; PubMed 27250579.